The following is an entry in ClinVar:

NM_004329.3(BMPR1A):c.945A>G (p.Gly315=)

Gene: BMPR1A (bone morphogenetic protein receptor type 1A; plus strand). Cytogenetic location: 10q23.2.
Variant type: single nucleotide variant.
Coding change: c.945A>G on transcript NM_004329.3 (MANE Select); coding-DNA position 945, A replaced by G.
Protein change: p.Gly315=; no amino-acid change (glycine 315 retained).
Molecular consequence: synonymous variant. On other transcripts: non-coding transcript variant (3).
Genome position (GRCh38, 1-based): chr10:86,919,248, A>G. VCF-style: chr10-86919248-A-G. GRCh37 (hg19) VCF-style: chr10-88679005-A-G.
Other names: c.1020A>G, p.Gly340= (NM_001406559.1); c.993A>G, p.Gly331= (NM_001406560.1); c.945A>G, p.Gly315= (NM_001406561.1, NM_001406562.1, NM_001406563.1 and 19 more transcripts); c.939A>G, p.Gly313= (NM_001406583.1); c.861A>G, p.Gly287= (NM_001406584.1, NM_001406585.1, NM_001406586.1 and 2 more transcripts); c.603A>G, p.Gly201= (NM_001406589.1).
Identifiers: ClinVar variation 1767011 (VCV001767011.8), dbSNP rs1843623133, ClinGen allele CA470372771.

ClinVar aggregate classification (germline): Benign/Likely benign. Review status: criteria provided, multiple submitters, no conflicts (2 of 4 stars). 3 submissions from 3 submitters: Benign (1); Likely benign (2). Last evaluated 2024-08-05.

Conditions:
Hereditary cancer-predisposing syndrome. Also called: Neoplastic Syndromes, Hereditary; Tumor predisposition; Hereditary neoplastic syndrome; Hereditary Cancer Syndrome. Identifiers: Orphanet 140162, MedGen C0027672, MeSH D009386, MONDO:0015356.
Juvenile polyposis syndrome (JPS). Identifiers: Orphanet 2929, MedGen C0345893, MONDO:0017380, OMIM 174900.

gnomAD v4.1: 1 of 1,613,980 alleles (0.000062%); no homozygotes.

Submissions (3):

Myriad Genetics, Inc.
Classification: Benign for Juvenile polyposis syndrome. Last evaluated: 2024-08-05. Review status: criteria provided, single submitter. Criteria: Myriad Autosomal Dominant, Autosomal Recessive and X-Linked Classification Criteria (2023). Collection method: clinical testing. Allele origin: unknown.
Comment: This variant is considered benign. This variant is a silent/synonymous amino acid change and it is not expected to impact splicing.

Labcorp Genetics (formerly Invitae), Labcorp
Classification: Likely benign for Juvenile polyposis syndrome. Last evaluated: 2022-09-14. Review status: criteria provided, single submitter. Criteria: Invitae Variant Classification Sherloc (09022015). Collection method: clinical testing. Allele origin: germline.

Ambry Genetics
Classification: Likely benign for Hereditary cancer-predisposing syndrome. Last evaluated: 2020-09-16. Review status: criteria provided, single submitter. Criteria: Ambry Variant Classification Scheme 2023. Collection method: clinical testing. Allele origin: germline.